The following is an entry in ClinVar:

NM_004431.5(EPHA2):c.2890G>T (p.Gly964Ter)

Gene: EPHA2 (EPH receptor A2; minus strand). Cytogenetic location: 1p36.13.
Variant type: single nucleotide variant.
Coding change: c.2890G>T on transcript NM_004431.5 (MANE Select); coding-DNA position 2890, G replaced by T.
Protein change: p.Gly964Ter; replaces glycine 964 with a stop codon.
Molecular consequence: nonsense.
Genome position (GRCh38, 1-based): chr1:16,125,256, C>A on the plus strand (G>T on the coding strand, the complement: EPHA2 is on the minus strand). VCF-style: chr1-16125256-C-A. GRCh37 (hg19) VCF-style: chr1-16451751-C-A.
Other names: c.2728G>T, p.Gly910Ter (NM_001329090.2); short protein forms G910*, G964*.
Identifiers: ClinVar variation 4820296 (VCV004820296.1).

ClinVar aggregate classification (germline): Likely pathogenic (1 of 4 stars; one submission).

Conditions:
Structural eye disease.

Submission:

Genetics Laboratory, Great Ormond Street Hospital NHS Foundation Trust, North Thames Genomic Laboratory Hub
Classification: Likely pathogenic for Structural eye disease. Last evaluated: 2026-02-19. Review status: criteria provided, single submitter. Criteria: ACGS Best Practice Guidelines for Variant Classification in Rare Disease 2024 v1.2. Collection method: clinical testing. Allele origin: germline. Affected: yes.
Comment: PM2_moderate, PVS1_strong, PP4_supporting